The following is an entry in ClinVar:

ClinVar aggregate classification (germline): Uncertain significance. Review status: criteria provided, multiple submitters, no conflicts (2 of 4 stars). 2 submissions from 2 submitters: Uncertain significance (2). Last evaluated 2025-02-26.

Conditions:
Inborn genetic diseases. Identifiers: MedGen C0950123, MeSH D030342.

Submissions (2):

Women's Health and Genetics/Laboratory Corporation of America, LabCorp
Classification: Uncertain significance. Last evaluated: 2025-02-26. Review status: criteria provided, single submitter. Criteria: LabCorp Variant Classification Summary - May 2015. Collection method: clinical testing. Allele origin: germline.
Comment: Variant summary: NOTCH3 c.5901G>T (p.Met1967Ile) results in a conservative amino acid change in the encoded protein sequence. Three of five in-silico tools predict a benign effect of the variant on protein function. The variant allele was found at a frequency of 1.6e-05 in 251376 control chromosomes, predominantly at a frequency of 0.00025 within the African or African-American subpopulation in the gnomAD database. The available data on variant occurrences in the general population are insufficient to allow any conclusion about variant significance. To our knowledge, no occurrence of c.5901G>T in individuals affected with Cerebral arteriopathy, autosomal dominant, with subcortical infarcts and leukoencephalopathy, type 1 and no experimental evidence demonstrating its impact on protein function have been reported. No submitters have cited clinical-significance assessments for this variant to ClinVar. Based on the evidence outlined above, the variant was classified as uncertain significance.

Ambry Genetics
Classification: Uncertain significance for Inborn genetic diseases. Last evaluated: 2025-02-08. Review status: criteria provided, single submitter. Criteria: Ambry Variant Classification Scheme 2023. Collection method: clinical testing. Allele origin: germline.

NM_000435.3(NOTCH3):c.5901G>T (p.Met1967Ile)

Gene: NOTCH3 (notch receptor 3; minus strand). Cytogenetic location: 19p13.12.
Variant type: single nucleotide variant.
Coding change: c.5901G>T on transcript NM_000435.3 (MANE Select); coding-DNA position 5901, G replaced by T.
Protein change: p.Met1967Ile; replaces methionine 1967 with isoleucine.
Molecular consequence: missense variant.
Genome position (GRCh38, 1-based): chr19:15,162,477, C>A on the plus strand (G>T on the coding strand, the complement: NOTCH3 is on the minus strand). VCF-style: chr19-15162477-C-A. GRCh37 (hg19) VCF-style: chr19-15273288-C-A.
Other names: c.5901G>T (NM_000435.2); short protein forms M1967I.
Identifiers: ClinVar variation 3768590 (VCV003768590.2).
Genomic context (GRCh38, chr19:15,162,477, plus strand): 5'-GGCACTGTGCCACTGCTGACACCCAGTGGACCAAGGGCTGGGGCTCACCTTGCTATCCTG[C>A]ATGTCCTTATTGGCTCCATTTTTGAGCAGGGCCAAAGTGGCTTCCACGTTGTTCACAGCC-3'
Protein context (NP_000426.2, residues 1957-1977): ALLKNGANKD[Met1967Ile]QDSKEETPLF